The following is an entry in ClinVar:

NM_003072.5(SMARCA4):c.3054G>C (p.Leu1018=)

Gene: SMARCA4 (SWI/SNF related BAF chromatin remodeling complex subunit ATPase 4; plus strand). Cytogenetic location: 19p13.2.
Variant type: single nucleotide variant.
Coding change: c.3054G>C on transcript NM_003072.5 (MANE Select); coding-DNA position 3054, G replaced by C.
Protein change: p.Leu1018=; no amino-acid change (leucine 1018 retained).
Molecular consequence: synonymous variant. On other transcripts: non-coding transcript variant (1).
Genome position (GRCh38, 1-based): chr19:11,024,411, G>C. VCF-style: chr19-11024411-G-C. GRCh37 (hg19) VCF-style: chr19-11135087-G-C.
Other names: c.3054G>C, p.Leu1018= (NM_001128844.3, NM_001128845.2, NM_001128846.2 and 5 more transcripts).
Identifiers: ClinVar variation 484960 (VCV000484960.6), dbSNP rs529586298, ClinGen allele CA9204300.

ClinVar aggregate classification (germline): Benign/Likely benign. Review status: criteria provided, multiple submitters, no conflicts (2 of 4 stars). 2 submissions from 2 submitters: Benign (1); Likely benign (1). Last evaluated 2026-07-14.

Conditions:
Hereditary cancer-predisposing syndrome. Also called: Tumor predisposition; Neoplastic Syndromes, Hereditary; Hereditary Cancer Syndrome; Hereditary neoplastic syndrome. Identifiers: Orphanet 140162, MedGen C0027672, MeSH D009386, MONDO:0015356.
Rhabdoid tumor predisposition syndrome 2 (RTPS2). Identifiers: Orphanet 231108, Orphanet 69077, MedGen C2750074, MONDO:0013224, OMIM 613325.

Allele frequency attached by ClinVar (database versions not stated): gnomAD exomes below 0.00001; ExAC 0.00001; 1000 Genomes Project 30x 0.00016; gnomAD 0.00001; 1000 Genomes Project 0.00020.
gnomAD v4.1: 1 of 1,612,800 alleles (0.000062%); highest among the groups gnomAD compares: South Asian, 0.0011%; no homozygotes.

Submissions (2):

Myriad Genetics, Inc.
Classification: Benign for Rhabdoid tumor predisposition syndrome 2. Last evaluated: 2026-07-14. Review status: criteria provided, single submitter. Criteria: Myriad Autosomal Dominant, Autosomal Recessive and X-Linked Classification Criteria (2023). Collection method: clinical testing. Allele origin: unknown.
Comment: This variant is considered benign. This variant is a silent/synonymous amino acid change and it is not expected to impact splicing.

Ambry Genetics
Classification: Likely benign for Hereditary cancer-predisposing syndrome. Last evaluated: 2017-05-17. Review status: criteria provided, single submitter. Criteria: Ambry Variant Classification Scheme 2023. Collection method: clinical testing. Allele origin: germline.